The following is an entry in ClinVar:

NM_000051.4(ATM):c.5674+6C>G

Gene: ATM (ATM serine/threonine kinase; plus strand). Cytogenetic location: 11q22.3.
Variant type: single nucleotide variant.
Coding change: c.5674+6C>G on transcript NM_000051.4 (MANE Select); 6 bases into the intron after coding-DNA position 5674, C replaced by G.
Molecular consequence: intron variant.
Genome position (GRCh38, 1-based): chr11:108,304,858, C>G. VCF-style: chr11-108304858-C-G. GRCh37 (hg19) VCF-style: chr11-108175585-C-G.
Other names: c.5674+6C>G (NM_001351834.2).
Identifiers: ClinVar variation 453596 (VCV000453596.19), dbSNP rs780204400, ClinGen allele CA6265749.
Genomic context (GRCh38, chr11:108,304,858, plus strand): 5'-CTTCGACACTTCTCGCAAACGAGCCGATCCACAACCCCTGCAAACTTGGATTCAGGTATT[C>G]TATTAAATTTTTAACATTAATACTGTAAACTCAGTTCTAGAGAAAGATGGATTTAAGATG-3'

ClinVar aggregate classification (germline): Conflicting classifications of pathogenicity. Review status: criteria provided, conflicting classifications (1 of 4 stars). 7 submissions from 7 submitters: Uncertain significance (2); Likely benign (4). 1 of the submissions does not count toward it. Last evaluated 2026-01-26.

Conditions:
Familial cancer of breast. Also called: BREAST CANCER, FAMILIAL; Hereditary breast cancer; hereditary breast carcinoma. Identifiers: Orphanet 227535, MedGen C0346153, MONDO:0016419, OMIM 114480. Disease mechanism: loss of function.
Ataxia-telangiectasia syndrome (AT). Also called: LOUIS-BAR SYNDROME; Ataxia telangiectasia (A-T); ATAXIA-TELANGIECTASIA, COMPLEMENTATION GROUP A; ATAXIA-TELANGIECTASIA, FRESNO VARIANT; Ataxia-telangiectasia; Ataxia-telangiectasia, complementation group E. Identifiers: Orphanet 100, MedGen C0004135, MONDO:0008840, OMIM 208900.
Hereditary cancer-predisposing syndrome. Also called: Neoplastic Syndromes, Hereditary; Hereditary Cancer Syndrome; Hereditary neoplastic syndrome; Tumor predisposition. Identifiers: Orphanet 140162, MedGen C0027672, MeSH D009386, MONDO:0015356.

Allele frequency attached by ClinVar (database versions not stated): gnomAD exomes 0.00001; TOPMed below 0.00001; ExAC 0.00001.
gnomAD v4.1: 9 of 1,613,462 alleles (0.00056%); highest among the groups gnomAD compares: African/African-American, 0.0013%; no homozygotes.

Submissions (7):

Labcorp Genetics (formerly Invitae), Labcorp
Classification: Likely benign for Ataxia-telangiectasia syndrome. Last evaluated: 2026-01-26. Review status: criteria provided, single submitter. Criteria: Invitae Variant Classification Sherloc (09022015). Collection method: clinical testing. Allele origin: germline.

Institute for Biomarker Research, Medical Diagnostic Laboratories, L.L.C.
Classification: Likely benign for Hereditary cancer-predisposing syndrome. Last evaluated: 2025-11-24. Review status: criteria provided, single submitter. Criteria: ACMG Guidelines, 2015. Collection method: clinical testing. Allele origin: germline.
Comment: The splice region variant NM_000051.4(ATM):c.5674+6C>G has not been reported previously as a pathogenic variant, to our knowledge (Accession: VCV000453596.17). The c.5674+6C>G variant is observed in 2/112,828 (0.0018%) alleles from individuals of gnomAD Non Finnish European background in gnomAD. The c.5674+6C>G variant is novel (not in any individuals) in 1kG. The c.5674+6C>G variant is not predicted to disrupt the existing donor splice site 4bp upstream by any splice site algorithm. The c.5674+6C>G variant results in a substitution of a base that is not predicted conserved by GERP++ and PhyloP. For these reasons, this variant has been classified as Likely Benign.

Center for Genomic Medicine, Rigshospitalet, Copenhagen University Hospital
Classification: Likely benign. Last evaluated: 2025-03-04. Review status: criteria provided, single submitter. Criteria: ACMG Guidelines, 2015. Collection method: clinical testing. Allele origin: germline.

Fulgent Genetics
Classification: Uncertain significance for Familial cancer of breast; Ataxia-telangiectasia syndrome. Last evaluated: 2024-02-22. Review status: criteria provided, single submitter. Criteria: ACMG Guidelines, 2015. Collection method: clinical testing. Allele origin: germline.

Women's Health and Genetics/Laboratory Corporation of America, LabCorp
Classification: Uncertain significance. Last evaluated: 2021-02-12. Review status: criteria provided, single submitter. Criteria: LabCorp Variant Classification Summary - May 2015. Collection method: clinical testing. Allele origin: germline.
Comment: Variant summary: ATM c.5674+6C>G alters a non-conserved nucleotide located close to a canonical splice site and therefore could affect mRNA splicing, leading to a significantly altered protein sequence. 4/4 computational tools predict no significant impact on normal splicing. However, these predictions have yet to be confirmed by functional studies. The variant allele was found at a frequency of 8e-06 in 249250 control chromosomes. The available data on variant occurrences in the general population are insufficient to allow any conclusion about variant significance. To our knowledge, no occurrence of c.5674+6C>G in individuals affected with Breast Cancer and no experimental evidence demonstrating its impact on protein function have been reported. Two clinical diagnostic laboratories have submitted clinical-significance assessments for this variant to ClinVar after 2014 without evidence for independent evaluation. One laboratory classified the variant as likely benign, and one laboratory classified the variant as uncertain significance. Based on the evidence outlined above, the variant was classified as uncertain significance.

Color Diagnostics, LLC DBA Color Health
Classification: Likely benign for Hereditary cancer-predisposing syndrome. Last evaluated: 2017-05-22. Review status: criteria provided, single submitter. Criteria: ACMG Guidelines, 2015. Collection method: clinical testing. Allele origin: germline.

Natera, Inc.
Classification: Uncertain significance for Ataxia-telangiectasia. Last evaluated: 2020-02-07. Review status: no assertion criteria provided. Collection method: clinical testing. Allele origin: germline. Not counted in ClinVar's aggregate classification.